The following is an entry in ClinVar:

ClinVar aggregate classification (germline): Pathogenic (1 of 4 stars; one submission).

Conditions:
Baller-Gerold syndrome (BGS). Also called: CRANIOSYNOSTOSIS WITH RADIAL DEFECTS. Identifiers: Orphanet 1225, MedGen C0265308, MONDO:0009039, OMIM 218600.

Submission:

Labcorp Genetics (formerly Invitae), Labcorp
Classification: Pathogenic for Baller-Gerold syndrome. Last evaluated: 2021-10-06. Review status: criteria provided, single submitter. Criteria: Invitae Variant Classification Sherloc (09022015). Collection method: clinical testing. Allele origin: germline.
Comment: This sequence change creates a premature translational stop signal (p.Glu224*) in the RECQL4 gene. It is expected to result in an absent or disrupted protein product. This variant is not present in population databases (ExAC no frequency). This variant has not been reported in the literature in individuals with RECQL4-related conditions. Loss-of-function variants in RECQL4 are known to be pathogenic (PMID: 12734318, 12952869). For these reasons, this variant has been classified as Pathogenic.

Literature cited by the submitters: PubMed 12734318; PubMed 12952869.

NM_004260.4(RECQL4):c.670G>T (p.Glu224Ter)

Gene: RECQL4 (RecQ like helicase 4; minus strand). Cytogenetic location: 8q24.3.
Variant type: single nucleotide variant.
Coding change: c.670G>T on transcript NM_004260.4 (MANE Select); coding-DNA position 670, G replaced by T.
Protein change: p.Glu224Ter; replaces glutamic acid 224 with a stop codon.
Molecular consequence: nonsense.
Genome position (GRCh38, 1-based): chr8:144,516,449, C>A on the plus strand (G>T on the coding strand, the complement: RECQL4 is on the minus strand). VCF-style: chr8-144516449-C-A. GRCh37 (hg19) VCF-style: chr8-145741833-C-A.
Other names: short protein forms E224*.
Identifiers: ClinVar variation 1072153 (VCV001072153.5), dbSNP rs775600052, ClinGen allele CA372689797.